The following is an entry in ClinVar:

NM_001367873.1(SOX6):c.335T>C (p.Met112Thr)

Gene: SOX6 (SRY-box transcription factor 6; minus strand). Cytogenetic location: 11p15.2.
Variant type: single nucleotide variant.
Coding change: c.335T>C on transcript NM_001367873.1 (MANE Select); coding-DNA position 335, T replaced by C.
Protein change: p.Met112Thr; replaces methionine 112 with threonine.
Molecular consequence: missense variant.
Genome position (GRCh38, 1-based): chr11:16,318,556, A>G on the plus strand (T>C on the coding strand, the complement: SOX6 is on the minus strand). VCF-style: chr11-16318556-A-G. GRCh37 (hg19) VCF-style: chr11-16340102-A-G.
Other names: c.374T>C (NM_001145819.1); c.335T>C, p.Met112Thr (NM_001145811.2, NM_001145819.2, NM_001367872.1 and 2 more transcripts); short protein forms M112T.
Identifiers: ClinVar variation 2752220 (VCV002752220.5), dbSNP rs568879609, ClinGen allele CA5898465.
Genomic context (GRCh38, chr11:16,318,556, plus strand): 5'-TCCACCACATCGGCAAGACTCCCTTTGCGGCGCTCTGGGGTTCCAAAAGTAACACTGGTC[A>G]TTATCTCACGGTCCCGACTCCCTTCGTCAGGCTTATGTGGTGAGGTAGAGGTATTTCGGA-3'
Protein context (NP_001354802.1, residues 102-122): PDEGSRDREI[Met112Thr]TSVTFGTPER

ClinVar aggregate classification (germline): Likely benign. Review status: criteria provided, single submitter (1 of 4 stars). 2 submissions from 2 submitters: Likely benign (1). 1 of the submissions does not count toward it. Last evaluated 2022-12-07.

Conditions:
SOX6-related disorder. Also called: SOX6-related condition.

Allele frequency attached by ClinVar (database versions not stated): TOPMed 0.00001; gnomAD 0.00003; gnomAD exomes 0.00012; 1000 Genomes Project 30x 0.00016; 1000 Genomes Project 0.00020; ExAC 0.00032.

Submissions (2):

Labcorp Genetics (formerly Invitae), Labcorp
Classification: Likely benign. Last evaluated: 2022-12-07. Review status: criteria provided, single submitter. Criteria: Invitae Variant Classification Sherloc (09022015). Collection method: clinical testing. Allele origin: germline.

PreventionGenetics, part of Exact Sciences
Classification: Likely benign for SOX6-related condition. Last evaluated: 2023-11-09. Review status: no assertion criteria provided. Collection method: clinical testing. Allele origin: germline. Not counted in ClinVar's aggregate classification.
Comment: This variant is classified as likely benign based on ACMG/AMP sequence variant interpretation guidelines (Richards et al. 2015 PMID: 25741868, with internal and published modifications).